The following is an entry in ClinVar:

ClinVar aggregate classification (germline): Uncertain significance (1 of 4 stars; one submission).

Conditions:
Neuronal ceroid lipofuscinosis 7 (CLN7). Also called: MFSD8-Related Neuronal Ceroid-Lipofuscinosis. Identifiers: Orphanet 168491, Orphanet 228366, MedGen C1838571, MONDO:0012588, OMIM 610951.

Allele frequency attached by ClinVar (database versions not stated): gnomAD exomes below 0.00001.
gnomAD v4.1: 2 of 1,614,028 alleles (0.00012%); highest among the groups gnomAD compares: East Asian, 0.0022%; no homozygotes.

Submission:

Labcorp Genetics (formerly Invitae), Labcorp
Classification: Uncertain significance for Neuronal ceroid lipofuscinosis 7. Last evaluated: 2024-05-20. Review status: criteria provided, single submitter. Criteria: Invitae Variant Classification Sherloc (09022015). Collection method: clinical testing. Allele origin: germline.
Comment: This sequence change replaces glutamine, which is neutral and polar, with arginine, which is basic and polar, at codon 365 of the MFSD8 protein (p.Gln365Arg). The frequency data for this variant in the population databases is considered unreliable, as metrics indicate poor data quality at this position in the gnomAD database. This variant has not been reported in the literature in individuals affected with MFSD8-related conditions. ClinVar contains an entry for this variant (Variation ID: 2415035). Advanced modeling of protein sequence and biophysical properties (such as structural, functional, and spatial information, amino acid conservation, physicochemical variation, residue mobility, and thermodynamic stability) has been performed at Invitae for this missense variant, however the output from this modeling did not meet the statistical confidence thresholds required to predict the impact of this variant on MFSD8 protein function. In summary, the available evidence is currently insufficient to determine the role of this variant in disease. Therefore, it has been classified as a Variant of Uncertain Significance.

NM_001371596.2(MFSD8):c.1094A>G (p.Gln365Arg)

Gene: MFSD8 (major facilitator superfamily domain containing 8; minus strand). Cytogenetic location: 4q28.2.
Variant type: single nucleotide variant.
Coding change: c.1094A>G on transcript NM_001371596.2 (MANE Select); coding-DNA position 1094, A replaced by G.
Protein change: p.Gln365Arg; replaces glutamine 365 with arginine.
Molecular consequence: missense variant.
Genome position (GRCh38, 1-based): chr4:127,921,868, T>C on the plus strand (A>G on the coding strand, the complement: MFSD8 is on the minus strand). VCF-style: chr4-127921868-T-C. GRCh37 (hg19) VCF-style: chr4-128843023-T-C.
Other names: c.893A>G, p.Gln298Arg (NM_001363520.3); c.779A>G, p.Gln260Arg (NM_001363521.3); c.959A>G, p.Gln320Arg (NM_001371590.2); c.1094A>G, p.Gln365Arg (NM_001371591.2, NM_152778.4); c.1100A>G, p.Gln367Arg (NM_001371592.2); c.980A>G, p.Gln327Arg (NM_001371593.2); c.947A>G, p.Gln316Arg (NM_001371594.2); c.812A>G, p.Gln271Arg (NM_001371595.1); and 1 more; short protein forms Q215R, Q260R, Q271R, Q298R, Q316R, Q320R, Q327R, Q365R.
Identifiers: ClinVar variation 2415035 (VCV002415035.5), dbSNP rs1211443644, ClinGen allele CA358171653.
Genomic context (GRCh38, chr4:127,921,868, plus strand): 5'-GATTTTAGATAAATAACAGAGGTTAACATTATAGAATTATGTATGGCTATACCTTCCCAC[T>C]GTATTTTGGGAAATTGATTTCCCCAAGGTAACAAGATAAAGAAGCCAACCCATACAACGA-3'
Protein context (NP_001358525.1, residues 355-375): LPWGNQFPKI[Gln365Arg]WEDLHNNSIP